The following is an entry in ClinVar:

ClinVar aggregate classification (germline): Benign/Likely benign. Review status: criteria provided, multiple submitters, no conflicts (2 of 4 stars). 3 submissions from 3 submitters: Benign (1); Likely benign (2). Last evaluated 2025-12-10.

Conditions:
Left ventricular noncompaction 8 (LVNC8). Identifiers: Orphanet 154, Orphanet 54260, MedGen C3809288, MONDO:0014152, OMIM 615373.

Allele frequency attached by ClinVar (database versions not stated): TOPMed 0.00011.
gnomAD v4.1: 158 of 1,612,954 alleles (0.0098%); highest among the groups gnomAD compares: African/African-American, 0.0067%; no homozygotes.

Submissions (3):

Labcorp Genetics (formerly Invitae), Labcorp
Classification: Benign for Left ventricular noncompaction 8. Last evaluated: 2025-12-10. Review status: criteria provided, single submitter. Criteria: Invitae Variant Classification Sherloc (09022015). Collection method: clinical testing. Allele origin: germline.

Blueprint Genetics
Classification: Likely benign. Last evaluated: 2024-11-17. Review status: criteria provided, single submitter. Criteria: ACMG Guidelines, 2015. Collection method: clinical testing. Allele origin: germline.

GeneDx
Classification: Likely benign. Last evaluated: 2018-01-23. Review status: criteria provided, single submitter. Criteria: GeneDx Variant Classification (06012015). Collection method: clinical testing. Allele origin: germline. Affected: yes.
Comment: This variant is considered likely benign or benign based on one or more of the following criteria: it is a conservative change, it occurs at a poorly conserved position in the protein, it is predicted to be benign by multiple in silico algorithms, and/or has population frequency not consistent with disease.

NM_022114.4(PRDM16):c.3109+12G>A

Gene: PRDM16 (PR/SET domain 16; plus strand). Cytogenetic location: 1p36.32.
Variant type: single nucleotide variant.
Coding change: c.3109+12G>A on transcript NM_022114.4 (MANE Select); 12 bases into the intron after coding-DNA position 3109, G replaced by A.
Molecular consequence: intron variant.
Genome position (GRCh38, 1-based): chr1:3,425,762, G>A. VCF-style: chr1-3425762-G-A. GRCh37 (hg19) VCF-style: chr1-3342326-G-A.
Other names: c.3109+12G>A (NM_199454.3).
Identifiers: ClinVar variation 506372 (VCV000506372.9), dbSNP rs200643126, ClinGen allele CA544713.